The following is an entry in ClinVar:

NM_024652.6(LRRK1):c.4460C>T (p.Pro1487Leu)

Genes: LRRK1 (leucine rich repeat kinase 1; plus strand), LRRK1-AS1 (LRRK1 antisense RNA 1; minus strand). Cytogenetic location: 15q26.3.
Variant type: single nucleotide variant.
Coding change: c.4460C>T on transcript NM_024652.6 (MANE Select); coding-DNA position 4460, C replaced by T.
Protein change: p.Pro1487Leu; replaces proline 1487 with leucine.
Molecular consequence: missense variant.
Genome position (GRCh38, 1-based): chr15:101,056,983, C>T. VCF-style: chr15-101056983-C-T. GRCh37 (hg19) VCF-style: chr15-101597188-C-T.
Other names: c.4460C>T (NM_024652.3); short protein forms P1487L.
Identifiers: ClinVar variation 2085276 (VCV002085276.3), dbSNP rs201964335, ClinGen allele CA7761841.

ClinVar aggregate classification (germline): Uncertain significance. Review status: criteria provided, multiple submitters, no conflicts (2 of 4 stars). 2 submissions from 2 submitters: Uncertain significance (2). Last evaluated 2024-02-14.

Conditions:
Inborn genetic diseases. Identifiers: MedGen C0950123, MeSH D030342.

Allele frequency attached by ClinVar (database versions not stated): gnomAD 0.00003; gnomAD exomes 0.00003; TOPMed 0.00005; ExAC 0.00006; ESP Exome Variant Server 0.00016.
gnomAD v4.1: 42 of 1,613,962 alleles (0.0026%); highest among the groups gnomAD compares: African/African-American, 0.0053%; no homozygotes.

Submissions (2):

Labcorp Genetics (formerly Invitae), Labcorp
Classification: Uncertain significance. Last evaluated: 2024-02-14. Review status: criteria provided, single submitter. Criteria: Invitae Variant Classification Sherloc (09022015). Collection method: clinical testing. Allele origin: germline.
Comment: This sequence change replaces proline, which is neutral and non-polar, with leucine, which is neutral and non-polar, at codon 1487 of the LRRK1 protein (p.Pro1487Leu). This variant is present in population databases (rs201964335, gnomAD 0.008%). This variant has not been reported in the literature in individuals affected with LRRK1-related conditions. ClinVar contains an entry for this variant (Variation ID: 2085276). Algorithms developed to predict the effect of missense changes on protein structure and function output the following: SIFT: "Not Available"; PolyPhen-2: "Benign"; Align-GVGD: "Not Available". The leucine amino acid residue is found in multiple mammalian species, which suggests that this missense change does not adversely affect protein function. In summary, the available evidence is currently insufficient to determine the role of this variant in disease. Therefore, it has been classified as a Variant of Uncertain Significance.

Ambry Genetics
Classification: Uncertain significance for Inborn genetic diseases. Last evaluated: 2023-12-27. Review status: criteria provided, single submitter. Criteria: Ambry Variant Classification Scheme 2023. Collection method: clinical testing. Allele origin: germline.